The following is an entry in ClinVar:

ClinVar aggregate classification (germline): Pathogenic (1 of 4 stars; one submission).

Conditions:
NR0B1-related disorder.

Submission:

PreventionGenetics, part of Exact Sciences
Classification: Pathogenic for NR0B1-related condition. Last evaluated: 2022-11-07. Review status: criteria provided, single submitter. Criteria: ACMG Guidelines, 2015. Collection method: clinical testing. Allele origin: germline.
Comment: The NR0B1 c.1069delC variant is predicted to result in a frameshift and premature protein termination (p.Gln357Argfs*15). To our knowledge, this variant has not been reported in the literature or in a large population database, indicating this variant is rare. Frameshift variants in NR0B1 are expected to be pathogenic. This variant is interpreted as pathogenic.

NM_000475.5(NR0B1):c.1069del (p.Gln357fs)

Gene: NR0B1 (nuclear receptor subfamily 0 group B member 1; minus strand). Cytogenetic location: Xp21.2.
Variant type: Deletion.
Coding change: c.1069del on transcript NM_000475.5 (MANE Select); coding-DNA position 1069, one base deleted (C; older notation c.1069delC).
Protein change: p.Gln357fs; shifts the reading frame from glutamine 357.
Molecular consequence: frameshift variant.
Genome position (GRCh38, 1-based): chrX:30,308,295, G deleted on the plus strand (C on the coding strand, the reverse complement: NR0B1 is on the minus strand); the first of 3 consecutive G bases (chrX:30,308,295-30,308,297); deleting any one gives the same sequence. VCF-style (leftmost placement, unchanged base first): chrX-30308294-TG-T. GRCh37 (hg19) VCF-style: chrX-30326411-TG-T.
Other names: short protein forms Q357fs.
Identifiers: ClinVar variation 2635085 (VCV002635085.1), dbSNP rs2519050868, ClinGen allele CA2695200167.